The following is an entry in ClinVar:

NM_020779.4(WDR35):c.2879A>G (p.Tyr960Cys)

Gene: WDR35 (WD repeat domain 35; minus strand). Cytogenetic location: 2p24.1.
Variant type: single nucleotide variant.
Coding change: c.2879A>G on transcript NM_020779.4 (MANE Select); coding-DNA position 2879, A replaced by G.
Protein change: p.Tyr960Cys; replaces tyrosine 960 with cysteine.
Molecular consequence: missense variant.
Genome position (GRCh38, 1-based): chr2:19,931,354, T>C on the plus strand (A>G on the coding strand, the complement: WDR35 is on the minus strand). VCF-style: chr2-19931354-T-C. GRCh37 (hg19) VCF-style: chr2-20131115-T-C.
Other names: c.2912A>G, p.Tyr971Cys (NM_001006657.2); short protein forms Y971C, Y960C.
Identifiers: ClinVar variation 3752441 (VCV003752441.2), dbSNP rs397515535.
Genomic context (GRCh38, chr2:19,931,354, plus strand): 5'-CCTCGCTGGGCATTCTTCATCTGTTCATGGTATTGCTCTATAAGTAAGGCTGACAGTACA[T>C]AGAGCTTCTTGACACGTAAAGGTTTACTTCCTTTCTTTGCCTCTTCATCTGCAATCTTAA-3'
Protein context (NP_065830.2, residues 950-970): GSKPLRVKKL[Tyr960Cys]VLSALLIEQY

ClinVar aggregate classification (germline): Uncertain significance (1 of 4 stars; one submission).

Conditions:
Short-rib thoracic dysplasia 7 with or without polydactyly (SRTD7). Also called: Short rib polydactyly syndrome 5; SHORT-RIB THORACIC DYSPLASIA 7 WITH POLYDACTYLY. Identifiers: Orphanet 498497, Orphanet 93271, MedGen C3279792, MONDO:0013569, OMIM 614091.
Cranioectodermal dysplasia 2 (CED2). Identifiers: Orphanet 1515, MedGen C3150874, MONDO:0013323, OMIM 613610.

Allele frequency attached by ClinVar (database versions not stated): gnomAD exomes 0.00001.
gnomAD v4.1: 3 of 1,613,540 alleles (0.00019%); highest among the groups gnomAD compares: African/African-American, 0.0013%; no homozygotes.

Submission:

Labcorp Genetics (formerly Invitae), Labcorp
Classification: Uncertain significance for Cranioectodermal dysplasia 2; Short-rib thoracic dysplasia 7 with or without polydactyly. Last evaluated: 2025-08-18. Review status: criteria provided, single submitter. Criteria: Invitae Variant Classification Sherloc (09022015). Collection method: clinical testing. Allele origin: germline.
Comment: This sequence change replaces tyrosine, which is neutral and polar, with cysteine, which is neutral and slightly polar, at codon 971 of the WDR35 protein (p.Tyr971Cys). This variant is present in population databases (rs397515535, gnomAD 0.007%). This missense change has been observed in individual(s) with cranioectodermal dysplasia (PMID: 22486404). ClinVar contains an entry for this variant (Variation ID: 3752441). Invitae Evidence Modeling of protein sequence and biophysical properties (such as structural, functional, and spatial information, amino acid conservation, physicochemical variation, residue mobility, and thermodynamic stability) has been performed for this missense variant. However, the output from this modeling did not meet the statistical confidence thresholds required to predict the impact of this variant on WDR35 protein function. In summary, the available evidence is currently insufficient to determine the role of this variant in disease. Therefore, it has been classified as a Variant of Uncertain Significance.

Literature cited by the submitters: PubMed 22486404.